The following is an entry in ClinVar:

NM_024809.5(TCTN2):c.1948C>T (p.Pro650Ser)

Gene: TCTN2 (tectonic family member 2; plus strand). Cytogenetic location: 12q24.31.
Variant type: single nucleotide variant.
Coding change: c.1948C>T on transcript NM_024809.5 (MANE Select); coding-DNA position 1948, C replaced by T.
Protein change: p.Pro650Ser; replaces proline 650 with serine.
Molecular consequence: missense variant.
Genome position (GRCh38, 1-based): chr12:123,707,037, C>T. VCF-style: chr12-123707037-C-T. GRCh37 (hg19) VCF-style: chr12-124191584-C-T.
Other names: c.1945C>T, p.Pro649Ser (NM_001143850.3); c.1813C>T, p.Pro605Ser (NM_001410989.1); short protein forms P605S, P649S, P650S.
Identifiers: ClinVar variation 2076355 (VCV002076355.3), dbSNP rs773680296, ClinGen allele CA6861382.

ClinVar aggregate classification (germline): Uncertain significance (1 of 4 stars; one submission).

Conditions:
Joubert syndrome. Also called: CEREBELLOPARENCHYMAL DISORDER IV; JOUBERT-BOLTSHAUSER SYNDROME; Familial aplasia of the vermis. Identifiers: Orphanet 475, MedGen C5979921, MONDO:0018772.
Meckel-Gruber syndrome. Also called: DYSENCEPHALIA SPLANCHNOCYSTICA; GRUBER SYNDROME; Dysencephalia splachnocystica. Identifiers: Orphanet 564, MedGen C0265215, MONDO:0018921.

Allele frequency attached by ClinVar (database versions not stated): ExAC 0.00001; TOPMed 0.00001; gnomAD exomes 0.00003.
gnomAD v4.1: 43 of 1,613,644 alleles (0.0027%); highest among the groups gnomAD compares: Non-Finnish European, 0.0034%; no homozygotes.

Submission:

Labcorp Genetics (formerly Invitae), Labcorp
Classification: Uncertain significance for Joubert syndrome; Meckel-Gruber syndrome. Last evaluated: 2024-02-24. Review status: criteria provided, single submitter. Criteria: Invitae Variant Classification Sherloc (09022015). Collection method: clinical testing. Allele origin: germline.
Comment: This sequence change replaces proline, which is neutral and non-polar, with serine, which is neutral and polar, at codon 650 of the TCTN2 protein (p.Pro650Ser). This variant is present in population databases (rs773680296, gnomAD 0.002%). This variant has not been reported in the literature in individuals affected with TCTN2-related conditions. ClinVar contains an entry for this variant (Variation ID: 2076355). Advanced modeling of protein sequence and biophysical properties (such as structural, functional, and spatial information, amino acid conservation, physicochemical variation, residue mobility, and thermodynamic stability) has been performed at Invitae for this missense variant, however the output from this modeling did not meet the statistical confidence thresholds required to predict the impact of this variant on TCTN2 protein function. In summary, the available evidence is currently insufficient to determine the role of this variant in disease. Therefore, it has been classified as a Variant of Uncertain Significance.